The following is an entry in ClinVar:

NM_003801.4(GPAA1):c.1484G>A (p.Trp495Ter)

Gene: GPAA1 (glycosylphosphatidylinositol anchor attachment 1; plus strand). Cytogenetic location: 8q24.3.
Variant type: single nucleotide variant.
Coding change: c.1484G>A on transcript NM_003801.4 (MANE Select); coding-DNA position 1484, G replaced by A.
Protein change: p.Trp495Ter; replaces tryptophan 495 with a stop codon.
Molecular consequence: nonsense.
Genome position (GRCh38, 1-based): chr8:144,085,605, G>A. VCF-style: chr8-144085605-G-A. GRCh37 (hg19) VCF-style: chr8-145140508-G-A.
Other names: short protein forms W495*.
Identifiers: ClinVar variation 3389917 (VCV003389917.14).

ClinVar aggregate classification (germline): Pathogenic (1 of 4 stars; one submission).

Submission:

CeGaT Center for Human Genetics Tuebingen
Classification: Pathogenic. Last evaluated: 2024-10-01. Review status: criteria provided, single submitter. Criteria: CeGaT Center For Human Genetics Tuebingen Variant Classification Criteria Version 2. Collection method: clinical testing. Allele origin: germline. Affected: yes. Observed: 1 variant allele.
Comment: GPAA1: PVS1, PM2